The following is an entry in ClinVar:

ClinVar aggregate classification (germline): Uncertain significance (1 of 4 stars; one submission).

Conditions:
Epidermolysis bullosa simplex with nail dystrophy (EBS5D). Identifiers: MedGen C4225309, MONDO:0014661, OMIM 616487.
Epidermolysis bullosa simplex, Ogna type (EBS5A). Also called: Pidermolysis bullosa simplex 5A, Ogna type; EPIDERMOLYSIS BULLOSA SIMPLEX 5A, OGNA TYPE. Identifiers: Orphanet 79401, MedGen C0432317, MONDO:0007555, OMIM 131950.
Epidermolysis bullosa simplex 5B, with muscular dystrophy (EBS5B). Also called: Epidermolysis bullosa simplex with muscular dystrophy; EPIDERMOLYSIS BULLOSA SIMPLEX AND LIMB-GIRDLE MUSCULAR DYSTROPHY. Identifiers: Orphanet 257, MedGen C2931072, MONDO:0009181, OMIM 226670.
Autosomal recessive limb-girdle muscular dystrophy type 2Q (LGMDR17). Also called: MUSCULAR DYSTROPHY, LIMB-GIRDLE, AUTOSOMAL RECESSIVE 17. Identifiers: Orphanet 254361, MedGen C3150989, MONDO:0013390, OMIM 613723.
Epidermolysis bullosa simplex 5C, with pyloric atresia (EBS5C). Also called: PLEC-Related Epidermolysis Bullosa with Pyloric Atresia; Epidermolysis bullosa simplex with pyloric atresia; PLEC1-Related Epidermolysis Bullosa with Pyloric Atresia. Identifiers: Orphanet 158684, MedGen C2677349, MONDO:0012807, OMIM 612138.

Submission:

Labcorp Genetics (formerly Invitae), Labcorp
Classification: Uncertain significance for Autosomal recessive limb-girdle muscular dystrophy type 2Q; Epidermolysis bullosa simplex, Ogna type; Epidermolysis bullosa simplex with nail dystrophy; Epidermolysis bullosa simplex 5C, with pyloric atresia; Epidermolysis bullosa simplex 5B, with muscular dystrophy. Last evaluated: 2025-08-18. Review status: criteria provided, single submitter. Criteria: Invitae Variant Classification Sherloc (09022015). Collection method: clinical testing. Allele origin: germline.
Comment: This sequence change replaces arginine, which is basic and polar, with leucine, which is neutral and non-polar, at codon 965 of the PLEC protein (p.Arg965Leu). This variant is not present in population databases (gnomAD no frequency). This variant has not been reported in the literature in individuals affected with PLEC-related conditions. Invitae Evidence Modeling of protein sequence and biophysical properties (such as structural, functional, and spatial information, amino acid conservation, physicochemical variation, residue mobility, and thermodynamic stability) indicates that this missense variant is not expected to disrupt PLEC protein function with a negative predictive value of 80%. In summary, the available evidence is currently insufficient to determine the role of this variant in disease. Therefore, it has been classified as a Variant of Uncertain Significance.

NM_201384.3(PLEC):c.2813G>T (p.Arg938Leu)

Gene: PLEC (plectin; minus strand). Cytogenetic location: 8q24.3.
Variant type: single nucleotide variant.
Coding change: c.2813G>T on transcript NM_201384.3 (MANE Select); coding-DNA position 2813, G replaced by T.
Protein change: p.Arg938Leu; replaces arginine 938 with leucine.
Molecular consequence: missense variant.
Genome position (GRCh38, 1-based): chr8:143,929,756, C>A on the plus strand (G>T on the coding strand, the complement: PLEC is on the minus strand). VCF-style: chr8-143929756-C-A. GRCh37 (hg19) VCF-style: chr8-145003924-C-A.
Other names: c.2894G>T, p.Arg965Leu (NM_000445.5, NM_001410941.1); c.2771G>T, p.Arg924Leu (NM_201378.4); c.2747G>T, p.Arg916Leu (NM_201379.3); c.3224G>T, p.Arg1075Leu (NM_201380.4); c.2717G>T, p.Arg906Leu (NM_201381.3); c.2813G>T, p.Arg938Leu (NM_201382.4); c.2825G>T, p.Arg942Leu (NM_201383.3); short protein forms R1075L, R916L, R924L, R938L, R906L, R965L, R942L.
Identifiers: ClinVar variation 4783310 (VCV004783310.1).